The following is an entry in ClinVar:

NM_006017.3(PROM1):c.1077+6C>G

Gene: PROM1 (prominin 1; minus strand). Cytogenetic location: 4p15.32.
Variant type: single nucleotide variant.
Coding change: c.1077+6C>G on transcript NM_006017.3 (MANE Select); 6 bases into the intron after coding-DNA position 1077, C replaced by G.
Molecular consequence: intron variant.
Genome position (GRCh38, 1-based): chr4:16,016,160, G>C on the plus strand (C>G on the coding strand, the complement: PROM1 is on the minus strand). VCF-style: chr4-16016160-G-C. GRCh37 (hg19) VCF-style: chr4-16017783-G-C.
Other names: c.1050+6C>G (NM_001145848.2, NM_001145852.2, NM_001145847.2 and 4 more transcripts); c.1077+6C>G (NM_001145850.2, NM_001145849.2).
Identifiers: ClinVar variation 199118 (VCV000199118.30), dbSNP rs146390632, ClinGen allele CA203760.
Genomic context (GRCh38, chr4:16,016,160, plus strand): 5'-CTTATGTACTAGTCCACCCTTTAAAATGATATAAAATCAGTGATTGTATTTTTTCCAAAA[G>C]CATACCTGTTGGACCAGGCCATCCAAATCTGTCCTAAGAACGTTATTAACGTTGTCAAGT-3'

ClinVar aggregate classification (germline): Likely benign. Review status: criteria provided, multiple submitters, no conflicts (2 of 4 stars). 4 submissions from 4 submitters: Likely benign (4). Last evaluated 2025-12-13.

Allele frequency attached by ClinVar (database versions not stated): gnomAD exomes 0.00007 and 0.00034; ExAC 0.00009; gnomAD 0.00014 and 0.00021; TOPMed 0.00029; 1000 Genomes Project 30x 0.00109; 1000 Genomes Project 0.00120.
gnomAD v4.1: 141 of 1,550,992 alleles (0.0091%); highest among the groups gnomAD compares: East Asian, 0.26%; 1 homozygote.

Submissions (4):

Labcorp Genetics (formerly Invitae), Labcorp
Classification: Likely benign. Last evaluated: 2025-12-13. Review status: criteria provided, single submitter. Criteria: Invitae Variant Classification Sherloc (09022015). Collection method: clinical testing. Allele origin: germline.

Blueprint Genetics
Classification: Likely benign. Last evaluated: 2024-11-14. Review status: criteria provided, single submitter. Criteria: ACMG Guidelines, 2015. Collection method: clinical testing. Allele origin: germline.

CeGaT Center for Human Genetics Tuebingen
Classification: Likely benign. Last evaluated: 2024-10-01. Review status: criteria provided, single submitter. Criteria: CeGaT Center For Human Genetics Tuebingen Variant Classification Criteria Version 2. Collection method: clinical testing. Allele origin: germline. Affected: yes. Observed: 1 variant allele.
Comment: PROM1: BP4

Eurofins Ntd Llc (ga)
Classification: Likely benign. Last evaluated: 2014-06-09. Review status: criteria provided, single submitter. Criteria: EGL Classification Definitions 2015. Collection method: clinical testing. Allele origin: germline. Observed: 1 variant allele, 1 heterozygote.